The following is an entry in ClinVar:

NM_020738.4(KIDINS220):c.4030C>T (p.Arg1344Cys)

Gene: KIDINS220 (kinase D interacting substrate 220; minus strand). Cytogenetic location: 2p25.1.
Variant type: single nucleotide variant.
Coding change: c.4030C>T on transcript NM_020738.4 (MANE Select); coding-DNA position 4030, C replaced by T.
Protein change: p.Arg1344Cys; replaces arginine 1344 with cysteine.
Molecular consequence: missense variant. On other transcripts: non-coding transcript variant (2).
Genome position (GRCh38, 1-based): chr2:8,733,467, G>A on the plus strand (C>T on the coding strand, the complement: KIDINS220 is on the minus strand). VCF-style: chr2-8733467-G-A. GRCh37 (hg19) VCF-style: chr2-8873597-G-A.
Other names: c.4033C>T, p.Arg1345Cys (NM_001348729.2); c.3976C>T, p.Arg1326Cys (NM_001348731.2); c.3973C>T, p.Arg1325Cys (NM_001348732.2, NM_001348738.2); c.3862C>T, p.Arg1288Cys (NM_001348734.2, NM_001348739.2, NM_001348740.2); c.3859C>T, p.Arg1287Cys (NM_001348735.2, NM_001348741.2, NM_001348742.2 and 1 more transcripts); c.3733C>T, p.Arg1245Cys (NM_001348736.2); short protein forms R1325C, R1344C, R1245C, R1287C, R1288C, R1326C, R1345C.
Identifiers: ClinVar variation 1465548 (VCV001465548.6), dbSNP rs752925928, ClinGen allele CA1519448.

ClinVar aggregate classification (germline): Uncertain significance (1 of 4 stars; one submission).

Allele frequency attached by ClinVar (database versions not stated): ExAC 0.00002; gnomAD 0.00002 and 0.00003; gnomAD exomes 0.00002; TOPMed 0.00002.
gnomAD v4.1: 37 of 1,613,662 alleles (0.0023%); highest among the groups gnomAD compares: Middle Eastern, 0.016%; no homozygotes.

Submission:

Labcorp Genetics (formerly Invitae), Labcorp
Classification: Uncertain significance. Last evaluated: 2025-03-25. Review status: criteria provided, single submitter. Criteria: Invitae Variant Classification Sherloc (09022015). Collection method: clinical testing. Allele origin: germline.
Comment: This sequence change replaces arginine, which is basic and polar, with cysteine, which is neutral and slightly polar, at codon 1344 of the KIDINS220 protein (p.Arg1344Cys). This variant is present in population databases (rs752925928, gnomAD 0.006%). This variant has not been reported in the literature in individuals affected with KIDINS220-related conditions. ClinVar contains an entry for this variant (Variation ID: 1465548). An algorithm developed to predict the effect of missense changes on protein structure and function (PolyPhen-2) suggests that this variant is likely to be disruptive. In summary, the available evidence is currently insufficient to determine the role of this variant in disease. Therefore, it has been classified as a Variant of Uncertain Significance.